The following is an entry in ClinVar:

ClinVar aggregate classification (germline): Uncertain significance (1 of 4 stars; one submission).

Conditions:
Fanconi anemia (FA). Also called: Fanconi's anemia. Identifiers: Orphanet 84, MedGen C0015625, MeSH D005199, MONDO:0019391.

gnomAD v4.1: 3 of 1,604,300 alleles (0.00019%); highest among the groups gnomAD compares: Non-Finnish European, 0.00026%; no homozygotes.

Submission:

Labcorp Genetics (formerly Invitae), Labcorp
Classification: Uncertain significance for Fanconi anemia. Last evaluated: 2025-07-19. Review status: criteria provided, single submitter. Criteria: Invitae Variant Classification Sherloc (09022015). Collection method: clinical testing. Allele origin: germline.
Comment: This sequence change falls in intron 5 of the FANCD2 gene. It does not directly change the encoded amino acid sequence of the FANCD2 protein. It affects a nucleotide within the consensus splice site. This variant is not present in population databases (gnomAD no frequency). This variant has not been reported in the literature in individuals affected with FANCD2-related conditions. ClinVar contains an entry for this variant (Variation ID: 526478). Variants that disrupt the consensus splice site are a relatively common cause of aberrant splicing (PMID: 17576681, 9536098). Algorithms developed to predict the effect of sequence changes on RNA splicing suggest that this variant may disrupt the consensus splice site. In summary, the available evidence is currently insufficient to determine the role of this variant in disease. Therefore, it has been classified as a Variant of Uncertain Significance.

Literature cited by the submitters: PubMed 17576681; PubMed 9536098.

NM_001018115.3(FANCD2):c.378-3C>T

Genes: FANCD2 (FA complementation group D2; plus strand), LOC107303338 (3p25 FANCD2 Alu-mediated recombination region; plus strand). Cytogenetic location: 3p25.3.
Variant type: single nucleotide variant.
Coding change: c.378-3C>T on transcript NM_001018115.3 (MANE Select); 3 bases into the intron before coding-DNA position 378, C replaced by T.
Molecular consequence: intron variant.
Genome position (GRCh38, 1-based): chr3:10,035,170, C>T. VCF-style: chr3-10035170-C-T. GRCh37 (hg19) VCF-style: chr3-10076854-C-T.
Other names: c.378-3C>T (NM_001319984.2, NM_001374253.1, NM_033084.6 and 2 more transcripts).
Identifiers: ClinVar variation 526478 (VCV000526478.7), dbSNP rs74923817, ClinGen allele CA70022267.